The following is an entry in ClinVar:

ClinVar aggregate classification (germline): Uncertain significance (1 of 4 stars; one submission).

Submission:

Ambry Genetics
Classification: Uncertain significance. Last evaluated: 2026-06-16. Review status: criteria provided, single submitter. Criteria: Ambry Variant Classification Scheme 2023. Collection method: clinical testing. Allele origin: germline.
Comment: The p.N644K variant (also known as c.1932T>G), located in coding exon 1 of the MLH3 gene, results from a T to G substitution at nucleotide position 1932. The asparagine at codon 644 is replaced by lysine, an amino acid with similar properties. This amino acid position is conserved. In addition, this alteration is predicted to be tolerated by in silico analysis. Based on the available evidence, the clinical significance of this variant remains unclear.

NM_001040108.2(MLH3):c.1932T>G (p.Asn644Lys)

Gene: MLH3 (mutL homolog 3; minus strand). Cytogenetic location: 14q24.3.
Variant type: single nucleotide variant.
Coding change: c.1932T>G on transcript NM_001040108.2 (MANE Select); coding-DNA position 1932, T replaced by G.
Protein change: p.Asn644Lys; replaces asparagine 644 with lysine.
Molecular consequence: missense variant.
Genome position (GRCh38, 1-based): chr14:75,047,724, A>C on the plus strand (T>G on the coding strand, the complement: MLH3 is on the minus strand). VCF-style: chr14-75047724-A-C. GRCh37 (hg19) VCF-style: chr14-75514427-A-C.
Other names: c.1932T>G, p.Asn644Lys (NM_014381.3); short protein forms N644K.
Identifiers: ClinVar variation 5024538 (VCV005024538.1).